The following is an entry in ClinVar:

ClinVar aggregate classification (germline): Uncertain significance. Review status: criteria provided, multiple submitters, no conflicts (2 of 4 stars). 3 submissions from 3 submitters: Uncertain significance (3). Last evaluated 2024-06-17.

Conditions:
Inborn genetic diseases. Identifiers: MedGen C0950123, MeSH D030342.

gnomAD v4.1: 2 of 1,207,887 alleles (0.00017%); highest among the groups gnomAD compares: African/African-American, 0.0035%; no homozygotes.

Submissions (3):

Ambry Genetics
Classification: Uncertain significance for Inborn genetic diseases. Last evaluated: 2024-06-17. Review status: criteria provided, single submitter. Criteria: Ambry Variant Classification Scheme 2023. Collection method: clinical testing. Allele origin: germline.

GeneDx
Classification: Uncertain significance. Last evaluated: 2023-07-25. Review status: criteria provided, single submitter. Criteria: GeneDx Variant Classification Process June 2021. Collection method: clinical testing. Allele origin: germline. Affected: yes.
Comment: In silico analysis supports that this missense variant has a deleterious effect on protein structure/function; Has not been previously published as pathogenic or benign to our knowledge

Blueprint Genetics
Classification: Uncertain significance. Last evaluated: 2022-04-18. Review status: criteria provided, single submitter. Criteria: ACMG Guidelines, 2015. Collection method: clinical testing. Allele origin: germline.

NM_001256789.3(CACNA1F):c.2137T>C (p.Tyr713His)

Gene: CACNA1F (calcium voltage-gated channel subunit alpha1 F; minus strand). Cytogenetic location: Xp11.23.
Variant type: single nucleotide variant.
Coding change: c.2137T>C on transcript NM_001256789.3 (MANE Select); coding-DNA position 2137, T replaced by C.
Protein change: p.Tyr713His; replaces tyrosine 713 with histidine.
Molecular consequence: missense variant.
Genome position (GRCh38, 1-based): chrX:49,222,787, A>G on the plus strand (T>C on the coding strand, the complement: CACNA1F is on the minus strand). VCF-style: chrX-49222787-A-G. GRCh37 (hg19) VCF-style: chrX-49079246-A-G.
Other names: c.1975T>C, p.Tyr659His (NM_001256790.3); c.2170T>C, p.Tyr724His (NM_005183.4); short protein forms Y659H, Y713H, Y724H.
Identifiers: ClinVar variation 3262748 (VCV003262748.3).